The following is an entry in ClinVar:

NM_001999.4(FBN2):c.4978C>A (p.Leu1660Ile)

Gene: FBN2 (fibrillin 2; minus strand). Cytogenetic location: 5q23.3.
Variant type: single nucleotide variant.
Coding change: c.4978C>A on transcript NM_001999.4 (MANE Select); coding-DNA position 4978, C replaced by A.
Protein change: p.Leu1660Ile; replaces leucine 1660 with isoleucine.
Molecular consequence: missense variant.
Genome position (GRCh38, 1-based): chr5:128,311,396, G>T on the plus strand (C>A on the coding strand, the complement: FBN2 is on the minus strand). VCF-style: chr5-128311396-G-T. GRCh37 (hg19) VCF-style: chr5-127647088-G-T.
Other names: short protein forms L1660I.
Identifiers: ClinVar variation 1744501 (VCV001744501.3), dbSNP rs2479740402, ClinGen allele CA360746228.

ClinVar aggregate classification (germline): Uncertain significance. Review status: criteria provided, multiple submitters, no conflicts (2 of 4 stars). 2 submissions from 2 submitters: Uncertain significance (2). Last evaluated 2026-03-30.

Conditions:
Familial thoracic aortic aneurysm and aortic dissection (TAAD). Also called: Thoracic aortic aneurysms and dissections. Identifiers: Orphanet 91387, MedGen C4707243, MONDO:0019625.

Allele frequency attached by ClinVar (database versions not stated): gnomAD exomes below 0.00001.
gnomAD v4.1: 2 of 1,614,034 alleles (0.00012%); highest among the groups gnomAD compares: Admixed American, 0.0017%; no homozygotes.

Submissions (2):

GeneDx
Classification: Uncertain significance. Last evaluated: 2026-03-30. Review status: criteria provided, single submitter. Criteria: GeneDx Variant Classification Process June 2021. Collection method: clinical testing. Allele origin: germline.
Comment: Not observed at significant frequency in large population cohorts (gnomAD); In silico analysis suggests that this missense variant does not alter protein structure/function; Has not been previously published as pathogenic or benign to our knowledge

Ambry Genetics
Classification: Uncertain significance for Familial thoracic aortic aneurysm and aortic dissection. Last evaluated: 2022-08-17. Review status: criteria provided, single submitter. Criteria: Ambry Variant Classification Scheme 2023. Collection method: clinical testing. Allele origin: germline.
Comment: The p.L1660I variant (also known as c.4978C>A), located in coding exon 39 of the FBN2 gene, results from a C to A substitution at nucleotide position 4978. The leucine at codon 1660 is replaced by isoleucine, an amino acid with highly similar properties. This amino acid position is highly conserved in available vertebrate species. In addition, the in silico prediction for this alteration is inconclusive. Since supporting evidence is limited at this time, the clinical significance of this alteration remains unclear.